The following is an entry in ClinVar:

ClinVar aggregate classification (germline): Pathogenic. Review status: criteria provided, multiple submitters, no conflicts (2 of 4 stars). 2 submissions from 2 submitters: Pathogenic (2). Last evaluated 2026-05-29.

Conditions:
Hereditary cancer-predisposing syndrome. Also called: Neoplastic Syndromes, Hereditary; Tumor predisposition; Hereditary Cancer Syndrome; Hereditary neoplastic syndrome. Identifiers: Orphanet 140162, MedGen C0027672, MeSH D009386, MONDO:0015356.
Rhabdoid tumor predisposition syndrome 2 (RTPS2). Identifiers: Orphanet 231108, Orphanet 69077, MedGen C2750074, MONDO:0013224, OMIM 613325.

Submissions (2):

Ambry Genetics
Classification: Pathogenic for Hereditary cancer-predisposing syndrome. Last evaluated: 2026-05-29. Review status: criteria provided, single submitter. Criteria: Ambry Variant Classification Scheme 2023. Collection method: clinical testing. Allele origin: germline.
Comment: The p.Q460* pathogenic mutation (also known as c.1378C>T), located in coding exon 7 of the SMARCA4 gene, results from a C to T substitution at nucleotide position 1378. This changes the amino acid from a glutamine to a stop codon within coding exon 7. This variant is considered to be rare based on population cohorts in the Genome Aggregation Database (gnomAD). This alteration is expected to result in loss of function by premature protein truncation or nonsense-mediated mRNA decay. Loss-of-function variants in SMARCA4 are known to cause rhabdoid tumor predisposition syndrome including small cell carcinoma of the ovary-hypercalcemic type (SCCOHT); however, such associations with neurodevelopmental disorders are exceedingly rare (Kosho T et al. Am J Med Genet C Semin Med Genet. 2014 Sep;166C(3):262-75; Jelinic P et al. Nat Genet. 2014 May;46(5):424-6). Based on the supporting evidence, this variant is pathogenic for rhabdoid tumor predisposition syndrome; however, the association of this variant with Coffin-Siris syndrome is unlikely.

Labcorp Genetics (formerly Invitae), Labcorp
Classification: Pathogenic for Rhabdoid tumor predisposition syndrome 2. Last evaluated: 2022-06-28. Review status: criteria provided, single submitter. Criteria: Invitae Variant Classification Sherloc (09022015). Collection method: clinical testing. Allele origin: germline.
Comment: This sequence change creates a premature translational stop signal (p.Gln460*) in the SMARCA4 gene. It is expected to result in an absent or disrupted protein product. Loss-of-function variants in SMARCA4 are known to be pathogenic (PMID: 24658001, 24658002). For these reasons, this variant has been classified as Pathogenic. This variant has not been reported in the literature in individuals affected with SMARCA4-related conditions. This variant is not present in population databases (gnomAD no frequency).

Literature cited by the submitters: PubMed 24658001 (cited by Labcorp Genetics (formerly Invitae), Labcorp); PubMed 24658002 (cited by Labcorp Genetics (formerly Invitae), Labcorp).

NM_003072.5(SMARCA4):c.1378C>T (p.Gln460Ter)

Gene: SMARCA4 (SWI/SNF related BAF chromatin remodeling complex subunit ATPase 4; plus strand). Cytogenetic location: 19p13.2.
Variant type: single nucleotide variant.
Coding change: c.1378C>T on transcript NM_003072.5 (MANE Select); coding-DNA position 1378, C replaced by T.
Protein change: p.Gln460Ter; replaces glutamine 460 with a stop codon.
Molecular consequence: nonsense. On other transcripts: non-coding transcript variant (1).
Genome position (GRCh38, 1-based): chr19:10,991,282, C>T. VCF-style: chr19-10991282-C-T. GRCh37 (hg19) VCF-style: chr19-11101958-C-T.
Other names: c.1378C>T, p.Gln460Ter (NM_001128844.3, NM_001128845.2, NM_001128846.2 and 5 more transcripts); c.1378C>T (NM_001128849.1); short protein forms Q460*.
Identifiers: ClinVar variation 1382120 (VCV001382120.7), dbSNP rs1490850743, ClinGen allele CA404061000.